The following is an entry in ClinVar:

NM_001098.3(ACO2):c.432+19T>C

Gene: ACO2 (aconitase 2; plus strand). Cytogenetic location: 22q13.2.
Variant type: single nucleotide variant.
Coding change: c.432+19T>C on transcript NM_001098.3 (MANE Select); 19 bases into the intron after coding-DNA position 432, T replaced by C.
Molecular consequence: intron variant.
Genome position (GRCh38, 1-based): chr22:41,508,068, T>C. VCF-style: chr22-41508068-T-C. GRCh37 (hg19) VCF-style: chr22-41904072-T-C.
Identifiers: ClinVar variation 377426 (VCV000377426.11), dbSNP rs200362666, ClinGen allele CA10257349.

ClinVar aggregate classification (germline): Benign/Likely benign. Review status: criteria provided, multiple submitters, no conflicts (2 of 4 stars). 3 submissions from 3 submitters: Benign (2); Likely benign (1). Last evaluated 2026-01-16.

Allele frequency attached by ClinVar (database versions not stated): gnomAD exomes 0.00007 and 0.00030; gnomAD 0.00018 and 0.00023; TOPMed 0.00018; ExAC 0.00029; 1000 Genomes Project 30x 0.00156; 1000 Genomes Project 0.00160.
gnomAD v4.1: 171 of 1,599,728 alleles (0.011%); highest among the groups gnomAD compares: East Asian, 0.22%; 2 homozygotes.

Submissions (3):

Labcorp Genetics (formerly Invitae), Labcorp
Classification: Benign. Last evaluated: 2026-01-16. Review status: criteria provided, single submitter. Criteria: Invitae Variant Classification Sherloc (09022015). Collection method: clinical testing. Allele origin: germline.

Blueprint Genetics
Classification: Likely benign. Last evaluated: 2024-11-06. Review status: criteria provided, single submitter. Criteria: ACMG Guidelines, 2015. Collection method: clinical testing. Allele origin: germline.

GeneDx
Classification: Benign. Last evaluated: 2015-09-17. Review status: criteria provided, single submitter. Criteria: GeneDx Variant Classification (06012015). Collection method: clinical testing. Allele origin: germline. Affected: yes.
Comment: This variant is considered likely benign or benign based on one or more of the following criteria: it is a conservative change, it occurs at a poorly conserved position in the protein, it is predicted to be benign by multiple in silico algorithms, and/or has population frequency not consistent with disease.